The following is an entry in ClinVar:

NM_001256545.2(MEGF10):c.702T>A (p.Cys234Ter)

Gene: MEGF10 (multiple EGF like domains 10; plus strand). Cytogenetic location: 5q23.2.
Variant type: single nucleotide variant.
Coding change: c.702T>A on transcript NM_001256545.2 (MANE Select); coding-DNA position 702, T replaced by A.
Protein change: p.Cys234Ter; replaces cysteine 234 with a stop codon.
Molecular consequence: nonsense.
Genome position (GRCh38, 1-based): chr5:127,398,718, T>A. VCF-style: chr5-127398718-T-A. GRCh37 (hg19) VCF-style: chr5-126734410-T-A.
Other names: c.702T>A, p.Cys234Ter (NM_001308119.2, NM_001308121.2, NM_032446.3); short protein forms C234*.
Identifiers: ClinVar variation 2131505 (VCV002131505.4), dbSNP rs2479636595, ClinGen allele CA360720746.

ClinVar aggregate classification (germline): Pathogenic (1 of 4 stars; one submission).

Conditions:
MEGF10-related myopathy (CMYO10A). Also called: Congenital myopathy 10A, severe variant. Identifiers: Orphanet 439212, MedGen C3280679, MONDO:0013731, OMIM 614399.

Submission:

Labcorp Genetics (formerly Invitae), Labcorp
Classification: Pathogenic for MEGF10-related myopathy. Last evaluated: 2022-04-28. Review status: criteria provided, single submitter. Criteria: Invitae Variant Classification Sherloc (09022015). Collection method: clinical testing. Allele origin: germline.
Comment: This variant has not been reported in the literature in individuals affected with MEGF10-related conditions. For these reasons, this variant has been classified as Pathogenic. This variant is not present in population databases (gnomAD no frequency). This sequence change creates a premature translational stop signal (p.Cys234*) in the MEGF10 gene. It is expected to result in an absent or disrupted protein product. Loss-of-function variants in MEGF10 are known to be pathogenic (PMID: 22101682, 22371254, 23453856, 23954233).

Literature cited by the submitters: PubMed 22101682; PubMed 22371254; PubMed 23453856; PubMed 23954233.